The following is an entry in ClinVar:

NM_002335.4(LRP5):c.3550A>G (p.Thr1184Ala)

Gene: LRP5 (LDL receptor related protein 5; plus strand). Cytogenetic location: 11q13.2.
Variant type: single nucleotide variant.
Coding change: c.3550A>G on transcript NM_002335.4 (MANE Select); coding-DNA position 3550, A replaced by G.
Protein change: p.Thr1184Ala; replaces threonine 1184 with alanine.
Molecular consequence: missense variant.
Genome position (GRCh38, 1-based): chr11:68,426,100, A>G. VCF-style: chr11-68426100-A-G. GRCh37 (hg19) VCF-style: chr11-68193568-A-G.
Other names: c.1807A>G, p.Thr603Ala (NM_001291902.2); short protein forms T1184A, T603A.
Identifiers: ClinVar variation 2103101 (VCV002103101.4), dbSNP rs2496832672, ClinGen allele CA381621926.

ClinVar aggregate classification (germline): Uncertain significance (1 of 4 stars; one submission).

Submission:

Labcorp Genetics (formerly Invitae), Labcorp
Classification: Uncertain significance. Last evaluated: 2022-02-24. Review status: criteria provided, single submitter. Criteria: Invitae Variant Classification Sherloc (09022015). Collection method: clinical testing. Allele origin: germline.
Comment: In summary, the available evidence is currently insufficient to determine the role of this variant in disease. Therefore, it has been classified as a Variant of Uncertain Significance. Advanced modeling of protein sequence and biophysical properties (such as structural, functional, and spatial information, amino acid conservation, physicochemical variation, residue mobility, and thermodynamic stability) performed at Invitae indicates that this missense variant is not expected to disrupt LRP5 protein function. This variant has not been reported in the literature in individuals affected with LRP5-related conditions. This variant is not present in population databases (gnomAD no frequency). This sequence change replaces threonine, which is neutral and polar, with alanine, which is neutral and non-polar, at codon 1184 of the LRP5 protein (p.Thr1184Ala).